The following is an entry in ClinVar:

NM_182961.4(SYNE1):c.19853C>T (p.Ser6618Phe)

Gene: SYNE1 (spectrin repeat containing nuclear envelope protein 1; minus strand). Cytogenetic location: 6q25.2.
Variant type: single nucleotide variant.
Coding change: c.19853C>T on transcript NM_182961.4 (MANE Select); coding-DNA position 19853, C replaced by T.
Protein change: p.Ser6618Phe; replaces serine 6618 with phenylalanine.
Molecular consequence: missense variant.
Genome position (GRCh38, 1-based): chr6:152,242,280, G>A on the plus strand (C>T on the coding strand, the complement: SYNE1 is on the minus strand). VCF-style: chr6-152242280-G-A. GRCh37 (hg19) VCF-style: chr6-152563415-G-A.
Other names: c.19640C>T, p.Ser6547Phe (NM_033071.5); short protein forms S6547F, S6618F.
Identifiers: ClinVar variation 2926838 (VCV002926838.3), dbSNP rs550401288, ClinGen allele CA150196549.

ClinVar aggregate classification (germline): Uncertain significance (1 of 4 stars; one submission).

Conditions:
Emery-Dreifuss muscular dystrophy 4, autosomal dominant (EDMD4). Also called: EMERY-DREIFUSS MUSCULAR DYSTROPHY 4 WITH VARIABLE FEATURES. Identifiers: Orphanet 261, MedGen C2751807, MONDO:0013071, OMIM 612998.
Autosomal recessive ataxia, Beauce type. Also called: SYNE1-Related Autosomal Recessive Cerebellar Ataxia; SYNE1 Deficiency; Spinocerebellar ataxia, autosomal recessive 8; ATAXIA, RECESSIVE, OF BEAUCE. Identifiers: Orphanet 88644, MedGen C1853116, MONDO:0012549, OMIM 610743.

Allele frequency attached by ClinVar (database versions not stated): gnomAD exomes below 0.00001; gnomAD 0.00001.
gnomAD v4.1: 5 of 1,614,038 alleles (0.00031%); highest among the groups gnomAD compares: African/African-American, 0.004%; no homozygotes.

Submission:

Labcorp Genetics (formerly Invitae), Labcorp
Classification: Uncertain significance for Emery-Dreifuss muscular dystrophy 4, autosomal dominant; Autosomal recessive ataxia, Beauce type. Last evaluated: 2022-11-25. Review status: criteria provided, single submitter. Criteria: Invitae Variant Classification Sherloc (09022015). Collection method: clinical testing. Allele origin: germline.
Comment: In summary, the available evidence is currently insufficient to determine the role of this variant in disease. Therefore, it has been classified as a Variant of Uncertain Significance. Algorithms developed to predict the effect of missense changes on protein structure and function are either unavailable or do not agree on the potential impact of this missense change (SIFT: "Deleterious"; PolyPhen-2: "Possibly Damaging"; Align-GVGD: "Class C0"). This variant has not been reported in the literature in individuals affected with SYNE1-related conditions. This variant is present in population databases (rs550401288, gnomAD 0.003%). This sequence change replaces serine, which is neutral and polar, with phenylalanine, which is neutral and non-polar, at codon 6547 of the SYNE1 protein (p.Ser6547Phe).